The following is an entry in ClinVar:

ClinVar aggregate classification (germline): Uncertain significance (1 of 4 stars; one submission).

Conditions:
Tuberous sclerosis 2 (TSC2). Identifiers: Orphanet 805, MedGen C1860707, MONDO:0013199, OMIM 613254.

Submission:

Labcorp Genetics (formerly Invitae), Labcorp
Classification: Uncertain significance for Tuberous sclerosis 2. Last evaluated: 2018-12-10. Review status: criteria provided, single submitter. Criteria: Invitae Variant Classification Sherloc (09022015). Collection method: clinical testing. Allele origin: germline.
Comment: This sequence change replaces histidine with aspartic acid at codon 385 of the TSC2 protein (p.His385Asp). The histidine residue is highly conserved and there is a moderate physicochemical difference between histidine and aspartic acid. This variant is not present in population databases (ExAC no frequency). This variant has not been reported in the literature in individuals with TSC2-related conditions. Algorithms developed to predict the effect of missense changes on protein structure and function are either unavailable or do not agree on the potential impact of this missense change (SIFT: "Deleterious"; PolyPhen-2: "Possibly Damaging"; Align-GVGD: "Class C15"). In summary, the available evidence is currently insufficient to determine the role of this variant in disease. Therefore, it has been classified as a Variant of Uncertain Significance.

NM_000548.5(TSC2):c.1153C>G (p.His385Asp)

Gene: TSC2 (TSC complex subunit 2; plus strand). Cytogenetic location: 16p13.3.
Variant type: single nucleotide variant.
Coding change: c.1153C>G on transcript NM_000548.5 (MANE Select); coding-DNA position 1153, C replaced by G.
Protein change: p.His385Asp; replaces histidine 385 with aspartic acid.
Molecular consequence: missense variant.
Genome position (GRCh38, 1-based): chr16:2,061,904, C>G. VCF-style: chr16-2061904-C-G. GRCh37 (hg19) VCF-style: chr16-2111905-C-G.
Other names: c.1153C>G, p.His385Asp (NM_001370405.1, NM_021055.3, NM_001077183.3 and 3 more transcripts); c.1042C>G, p.His348Asp (NM_001318827.2); c.1006C>G, p.His336Asp (NM_001318829.2); c.553C>G, p.His185Asp (NM_001318831.2); c.1186C>G, p.His396Asp (NM_001318832.2); short protein forms H185D, H385D, H348D, H336D, H396D.
Identifiers: ClinVar variation 651758 (VCV000651758.8), dbSNP rs1410290642, ClinGen allele CA394320075.